The following is an entry in ClinVar:

ClinVar aggregate classification (germline): Pathogenic. Review status: reviewed by expert panel (3 of 4 stars). 2 submissions from 2 submitters: Pathogenic (1). 1 of the submissions does not count toward it. Last evaluated 2016-10-18.

Conditions:
Breast-ovarian cancer, familial, susceptibility to, 2 (BROVCA2). Also called: BRCA2 Hereditary Breast and Ovarian Cancer. Identifiers: Orphanet 145, MedGen C2675520, MONDO:0012933, OMIM 612555. Disease mechanism: loss of function.

Submissions (2):

Evidence-based Network for the Interpretation of Germline Mutant Alleles (ENIGMA)
Classification: Pathogenic for Breast-ovarian cancer, familial, susceptibility to, 2. Last evaluated: 2016-10-18. Review status: reviewed by expert panel. Criteria: ENIGMA BRCA1/2 Classification Criteria (2015). Collection method: curation. Allele origin: germline.
Comment: Variant allele predicted to encode a truncated non-functional protein.

Consortium of Investigators of Modifiers of BRCA1/2 (CIMBA), c/o University of Cambridge
Classification: Pathogenic for Breast-ovarian cancer, familial, susceptibility to, 2. Last evaluated: 2015-10-02. Review status: criteria provided, single submitter. Criteria: CIMBA Mutation Classification guidelines May 2016. Collection method: clinical testing. Allele origin: germline. Not counted in ClinVar's aggregate classification.

NM_000059.4(BRCA2):c.3564_3567del (p.Lys1189fs)

Gene: BRCA2 (BRCA2 DNA repair associated; plus strand). Cytogenetic location: 13q13.1.
Variant type: Deletion.
Coding change: c.3564_3567del on transcript NM_000059.4 (MANE Select); coding-DNA positions 3564 to 3567, 4 bases deleted (TAAA; older notation c.3564_3567delTAAA).
Protein change: p.Lys1189fs; shifts the reading frame from lysine 1189.
Molecular consequence: frameshift variant.
Genome position (GRCh38, 1-based): chr13:32,337,919-32,337,922, TAAA deleted. VCF-style (leftmost placement, unchanged base first): chr13-32337918-TTAAA-T. GRCh37 (hg19) VCF-style: chr13-32912055-TTAAA-T.
Other names: 3792delTAAA; short protein forms K1189fs.
Identifiers: ClinVar variation 266759 (VCV000266759.5), dbSNP rs886040483, ClinGen allele CA10589211.